The following is an entry in ClinVar:

ClinVar aggregate classification (germline): Uncertain significance (1 of 4 stars; one submission).

Conditions:
Inborn genetic diseases. Identifiers: MedGen C0950123, MeSH D030342.

Submission:

Ambry Genetics
Classification: Uncertain significance for Inborn genetic diseases. Last evaluated: 2024-04-16. Review status: criteria provided, single submitter. Criteria: Ambry Variant Classification Scheme 2023. Collection method: clinical testing. Allele origin: germline.
Comment: The p.D2055G variant (also known as c.6164A>G), located in coding exon 42 of the LRRK2 gene, results from an A to G substitution at nucleotide position 6164. The aspartic acid at codon 2055 is replaced by glycine, an amino acid with similar properties. This amino acid position is conserved. In addition, this alteration is predicted to be deleterious by in silico analysis. Based on the available evidence, the clinical significance of this variant remains unclear.

NM_198578.4(LRRK2):c.6164A>G (p.Asp2055Gly)

Gene: LRRK2 (leucine rich repeat kinase 2; plus strand). Cytogenetic location: 12q12.
Variant type: single nucleotide variant.
Coding change: c.6164A>G on transcript NM_198578.4 (MANE Select); coding-DNA position 6164, A replaced by G.
Protein change: p.Asp2055Gly; replaces aspartic acid 2055 with glycine.
Molecular consequence: missense variant.
Genome position (GRCh38, 1-based): chr12:40,346,807, A>G. VCF-style: chr12-40346807-A-G. GRCh37 (hg19) VCF-style: chr12-40740609-A-G.
Other names: short protein forms D2055G.
Identifiers: ClinVar variation 3291962 (VCV003291962.1).